The following is an entry in ClinVar:

NM_000026.4(ADSL):c.1318T>C (p.Leu440=)

Gene: ADSL (adenylosuccinate lyase; plus strand). Cytogenetic location: 22q13.1.
Variant type: single nucleotide variant.
Coding change: c.1318T>C on transcript NM_000026.4 (MANE Select); coding-DNA position 1318, T replaced by C.
Protein change: p.Leu440=; no amino-acid change (leucine 440 retained).
Molecular consequence: synonymous variant. On other transcripts: non-coding transcript variant (1), intron variant (1).
Genome position (GRCh38, 1-based): chr22:40,365,006, T>C. VCF-style: chr22-40365006-T-C. GRCh37 (hg19) VCF-style: chr22-40761010-T-C.
Other names: c.1126T>C, p.Leu376= (NM_001317923.2); c.1318T>C, p.Leu440= (NM_001363840.3); c.1191+641T>C (NM_001123378.3); c.1318T>C (NM_000026.3).
Identifiers: ClinVar variation 1649266 (VCV001649266.9), dbSNP rs2044946403, ClinGen allele CA514615646.

ClinVar aggregate classification (germline): Likely benign. Review status: criteria provided, multiple submitters, no conflicts (2 of 4 stars). 2 submissions from 2 submitters: Likely benign (2). Last evaluated 2026-03-24.

Conditions:
ADSL-related disorder. Also called: ADSL-related condition.
Adenylosuccinate lyase deficiency (ADSLD). Also called: ADSL DEFICIENCY. Identifiers: Orphanet 46, MedGen C0268126, MONDO:0007068, OMIM 103050.

Allele frequency attached by ClinVar (database versions not stated): TOPMed below 0.00001.

Submissions (2):

PreventionGenetics, part of Exact Sciences
Classification: Likely benign for ADSL-related condition. Last evaluated: 2026-03-24. Review status: criteria provided, single submitter. Criteria: ACMG Guidelines, 2015. Collection method: clinical testing. Allele origin: germline.
Comment: This variant is classified as likely benign based on ACMG/AMP sequence variant interpretation guidelines (Richards et al. 2015 PMID: 25741868, with internal and published modifications).

Labcorp Genetics (formerly Invitae), Labcorp
Classification: Likely benign for Adenylosuccinate lyase deficiency. Last evaluated: 2020-11-19. Review status: criteria provided, single submitter. Criteria: Invitae Variant Classification Sherloc (09022015). Collection method: clinical testing. Allele origin: germline.